The following is an entry in ClinVar:

NM_002768.5(CHMP1A):c.382-52G>A

Gene: CHMP1A (charged multivesicular body protein 1A; minus strand). Cytogenetic location: 16q24.3.
Variant type: single nucleotide variant.
Coding change: c.382-52G>A on transcript NM_002768.5 (MANE Select); 52 bases into the intron before coding-DNA position 382, G replaced by A.
Molecular consequence: intron variant.
Genome position (GRCh38, 1-based): chr16:89,646,766, C>T on the plus strand (G>A on the coding strand, the complement: CHMP1A is on the minus strand). VCF-style: chr16-89646766-C-T. GRCh37 (hg19) VCF-style: chr16-89713174-C-T.
Other names: c.362-52G>A (NM_001083314.4).
Identifiers: ClinVar variation 680112 (VCV000680112.2), dbSNP rs460984, ClinGen allele CA8246996.

ClinVar aggregate classification (germline): Benign. Review status: criteria provided, multiple submitters, no conflicts (2 of 4 stars). 2 submissions from 2 submitters: Benign (2). Last evaluated 2018-06-19.

Allele frequency attached by ClinVar (database versions not stated): 1000 Genomes Project 0.18770; 1000 Genomes Project 30x 0.18879; TOPMed 0.30621; gnomAD 0.31433 and 0.31852; ESP Exome Variant Server 0.32724; gnomAD exomes 0.34847 and 0.39699; ExAC 0.43043.

Submissions (2):

GeneDx
Classification: Benign. Last evaluated: 2018-06-19. Review status: criteria provided, single submitter. Criteria: GeneDx Variant Classification (06012015). Collection method: clinical testing. Allele origin: germline. Affected: yes.
Comment: This variant is considered likely benign or benign based on one or more of the following criteria: it is a conservative change, it occurs at a poorly conserved position in the protein, it is predicted to be benign by multiple in silico algorithms, and/or has population frequency not consistent with disease.

Breakthrough Genomics
Classification: Benign. Review status: criteria provided, single submitter. Criteria: ACMG Guidelines, 2015. Collection method: not provided. Allele origin: germline. Inheritance: Autosomal recessive inheritance. Affected: yes.